The following is an entry in ClinVar:

NM_002124.4(HLA-DRB1):c.336C>T (p.Tyr112=)

Gene: HLA-DRB1 (major histocompatibility complex, class II, DR beta 1; minus strand). Cytogenetic location: 6p21.32.
Variant type: single nucleotide variant.
Coding change: c.336C>T on transcript NM_002124.4 (MANE Select); coding-DNA position 336, C replaced by T.
Protein change: p.Tyr112=; no amino-acid change (tyrosine 112 retained).
Molecular consequence: synonymous variant.
Genome position (GRCh38, 1-based): chr6:32,584,143, G>A on the plus strand (C>T on the coding strand, the complement: HLA-DRB1 is on the minus strand). VCF-style: chr6-32584143-G-A. GRCh37 (hg19) VCF-style: chr6-32551920-G-A.
Identifiers: ClinVar variation 2656461 (VCV002656461.24), dbSNP rs45542832, ClinGen allele CA3743187.

ClinVar aggregate classification (germline): Likely benign (1 of 4 stars; one submission).

Allele frequency attached by ClinVar (database versions not stated): gnomAD exomes 0.00076; ExAC 0.09013.

Submission:

CeGaT Center for Human Genetics Tuebingen
Classification: Likely benign. Last evaluated: 2023-08-01. Review status: criteria provided, single submitter. Criteria: CeGaT Center For Human Genetics Tuebingen Variant Classification Criteria Version 2. Collection method: clinical testing. Allele origin: germline. Affected: yes. Observed: 3 variant alleles.
Comment: HLA-DRB1: BP4, BP7